The following is an entry in ClinVar:

NM_000051.4(ATM):c.6500A>T (p.Tyr2167Phe)

Genes: ATM (ATM serine/threonine kinase; plus strand), C11orf65 (chromosome 11 open reading frame 65; minus strand). Cytogenetic location: 11q22.3.
Variant type: single nucleotide variant.
Coding change: c.6500A>T on transcript NM_000051.4 (MANE Select); coding-DNA position 6500, A replaced by T.
Protein change: p.Tyr2167Phe; replaces tyrosine 2167 with phenylalanine.
Molecular consequence: missense variant. On other transcripts: intron variant (2).
Genome position (GRCh38, 1-based): chr11:108,321,348, A>T. VCF-style: chr11-108321348-A-T. GRCh37 (hg19) VCF-style: chr11-108192075-A-T.
Other names: c.6500A>T, p.Tyr2167Phe (NM_001351834.2); c.641-12277T>A (NM_001330368.2); c.*39-12277T>A (NM_001351110.2); short protein forms Y2167F.
Identifiers: ClinVar variation 1406015 (VCV001406015.9), dbSNP rs768155385, ClinGen allele CA382554066.

ClinVar aggregate classification (germline): Uncertain significance (1 of 4 stars; one submission).

Conditions:
Ataxia-telangiectasia syndrome (AT). Also called: Ataxia-telangiectasia; LOUIS-BAR SYNDROME; Ataxia-telangiectasia, complementation group D; AT, COMPLEMENTATION GROUP C; ATAXIA-TELANGIECTASIA, COMPLEMENTATION GROUP A; ATAXIA-TELANGIECTASIA, FRESNO VARIANT. Identifiers: Orphanet 100, MedGen C0004135, MONDO:0008840, OMIM 208900.

Submission:

Labcorp Genetics (formerly Invitae), Labcorp
Classification: Uncertain significance for Ataxia-telangiectasia syndrome. Last evaluated: 2022-10-28. Review status: criteria provided, single submitter. Criteria: Invitae Variant Classification Sherloc (09022015). Collection method: clinical testing. Allele origin: germline.
Comment: In summary, the available evidence is currently insufficient to determine the role of this variant in disease. Therefore, it has been classified as a Variant of Uncertain Significance. Algorithms developed to predict the effect of sequence changes on RNA splicing suggest that this variant may create or strengthen a splice site. Algorithms developed to predict the effect of missense changes on protein structure and function (SIFT, PolyPhen-2, Align-GVGD) all suggest that this variant is likely to be tolerated. ClinVar contains an entry for this variant (Variation ID: 1406015). This variant has not been reported in the literature in individuals affected with ATM-related conditions. This variant is not present in population databases (gnomAD no frequency). This sequence change replaces tyrosine, which is neutral and polar, with phenylalanine, which is neutral and non-polar, at codon 2167 of the ATM protein (p.Tyr2167Phe).